The following is an entry in ClinVar:

ClinVar aggregate classification (germline): Uncertain significance (1 of 4 stars; one submission).

Conditions:
Inborn genetic diseases. Identifiers: MedGen C0950123, MeSH D030342.

Submission:

Ambry Genetics
Classification: Uncertain significance for Inborn genetic diseases. Last evaluated: 2026-04-22. Review status: criteria provided, single submitter. Criteria: Ambry Variant Classification Scheme 2023. Collection method: clinical testing. Allele origin: germline.
Comment: The p.S62P variant (also known as c.184T>C), located in coding exon 1 of the WT1 gene, results from a T to C substitution at nucleotide position 184. The serine at codon 62 is replaced by proline, an amino acid with similar properties. This amino acid position is conserved. In addition, this alteration is predicted to be tolerated by in silico analysis. Based on the available evidence, the clinical significance of this variant remains unclear.

NM_024426.6(WT1):c.199T>C (p.Ser67Pro)

Genes: WT1 (WT1 transcription factor; minus strand), LOC107982234 (WT1/WT1-AS bi-directional promoter region; plus strand). Cytogenetic location: 11p13.
Variant type: single nucleotide variant.
Coding change: c.199T>C on transcript NM_024426.6 (MANE Select); coding-DNA position 199, T replaced by C.
Protein change: p.Ser67Pro; replaces serine 67 with proline.
Molecular consequence: missense variant. On other transcripts: non-coding transcript variant (2), 5 prime UTR variant (4).
Genome position (GRCh38, 1-based): chr11:32,435,162, A>G on the plus strand (T>C on the coding strand, the complement: WT1 is on the minus strand). VCF-style: chr11-32435162-A-G. GRCh37 (hg19) VCF-style: chr11-32456708-A-G.
Other names: c.199T>C, p.Ser67Pro (NM_000378.6, NM_001407044.1, NM_001407045.1 and 6 more transcripts); c.-21T>C (NM_001429031.1, NM_001429032.1, NM_001429033.1 and 1 more transcripts); short protein forms S62P, S67P.
Identifiers: ClinVar variation 4866800 (VCV004866800.1).
Genomic context (GRCh38, chr11:32,435,162, plus strand): 5'-CGGGCAGCAGCGCGTTCAGGTCCCGCACGTCGGAGCCCATTTGCTGCGGCTCAGACCCGG[A>G]CGCCCCGCGGCTCCTCCGGCCCTGGAGACGTTCAGCGCTGGCCTCGGCGGCGCCTAACTT-3'
Protein context (NP_077744.4, residues 57-77): RLQGRRSRGA[Ser67Pro]GSEPQQMGSD